The following is an entry in ClinVar:

NM_018979.4(WNK1):c.209C>G (p.Ala70Gly)

Gene: WNK1 (WNK lysine deficient protein kinase 1; plus strand). Cytogenetic location: 12p13.33.
Variant type: single nucleotide variant.
Coding change: c.209C>G on transcript NM_018979.4 (MANE Select); coding-DNA position 209, C replaced by G.
Protein change: p.Ala70Gly; replaces alanine 70 with glycine.
Molecular consequence: missense variant.
Genome position (GRCh38, 1-based): chr12:753,774, C>G. VCF-style: chr12-753774-C-G. GRCh37 (hg19) VCF-style: chr12-862940-C-G.
Other names: c.209C>G, p.Ala70Gly (NM_001184985.2, NM_014823.3, NM_213655.5); short protein forms A70G.
Identifiers: ClinVar variation 882585 (VCV000882585.13), dbSNP rs368280492, ClinGen allele CA6381740.
Genomic context (GRCh38, chr12:753,774, plus strand): 5'-GGACCGAGGAGTACAGGCGCCGCCGCCACACTATGGACAAGGACAGCCGTGGGGCGGCCG[C>G]GACCACTACCACCACTGAGCACCGCTTCTTCCGCCGGAGCGTCATCTGTGACTCCAATGC-3'
Protein context (NP_061852.3, residues 60-80): TMDKDSRGAA[Ala70Gly]TTTTTEHRFF

ClinVar aggregate classification (germline): Conflicting classifications of pathogenicity. Review status: criteria provided, conflicting classifications (1 of 4 stars). 3 submissions from 3 submitters: Uncertain significance (2); Likely benign (1). Last evaluated 2025-02-12.

Conditions:
Inborn genetic diseases. Identifiers: MedGen C0950123, MeSH D030342.
Pseudohypoaldosteronism type 2C (PHA2C). Also called: Pseudohypoaldosteronism Type IIC. Identifiers: Orphanet 757, Orphanet 88940, MedGen C1840391, MONDO:0013778, OMIM 614492.
Neuropathy, hereditary sensory and autonomic, type 2A (HSAN2A). Also called: ACROOSTEOLYSIS, GIACCAI TYPE; ACROOSTEOLYSIS, NEUROGENIC; MORVAN DISEASE; NEUROPATHY, CONGENITAL SENSORY; NEUROPATHY, HEREDITARY SENSORY RADICULAR, AUTOSOMAL RECESSIVE; NEUROPATHY, HEREDITARY SENSORY, TYPE IIA. Identifiers: Orphanet 970, MedGen C2752089, MONDO:0024309, OMIM 201300.

Allele frequency attached by ClinVar (database versions not stated): gnomAD 0.00002; gnomAD exomes 0.00002 and 0.00005; TOPMed 0.00003; ExAC 0.00004; ESP Exome Variant Server 0.00008.
gnomAD v4.1: 71 of 1,612,298 alleles (0.0044%); highest among the groups gnomAD compares: Middle Eastern, 0.016%; no homozygotes.

Submissions (3):

Labcorp Genetics (formerly Invitae), Labcorp
Classification: Uncertain significance for Neuropathy, hereditary sensory and autonomic, type 2A; Pseudohypoaldosteronism type 2C. Last evaluated: 2025-02-12. Review status: criteria provided, single submitter. Criteria: Invitae Variant Classification Sherloc (09022015). Collection method: clinical testing. Allele origin: germline.
Comment: This sequence change replaces alanine, which is neutral and non-polar, with glycine, which is neutral and non-polar, at codon 70 of the WNK1 protein (p.Ala70Gly). This variant is present in population databases (rs368280492, gnomAD 0.007%). This variant has not been reported in the literature in individuals affected with WNK1-related conditions. ClinVar contains an entry for this variant (Variation ID: 882585). Invitae Evidence Modeling of protein sequence and biophysical properties (such as structural, functional, and spatial information, amino acid conservation, physicochemical variation, residue mobility, and thermodynamic stability) indicates that this missense variant is not expected to disrupt WNK1 protein function with a negative predictive value of 95%. In summary, the available evidence is currently insufficient to determine the role of this variant in disease. Therefore, it has been classified as a Variant of Uncertain Significance.

Ambry Genetics
Classification: Uncertain significance for Inborn genetic diseases. Last evaluated: 2023-01-24. Review status: criteria provided, single submitter. Criteria: Ambry Variant Classification Scheme 2023. Collection method: clinical testing. Allele origin: germline.

Illumina Laboratory Services, Illumina
Classification: Likely benign for Pseudohypoaldosteronism type 2C. Last evaluated: 2018-01-12. Review status: criteria provided, single submitter. Criteria: ICSL Variant Classification Criteria 13 December 2019. Collection method: clinical testing. Allele origin: germline.
Comment: This variant was observed in the ICSL laboratory as part of a predisposition screen in an ostensibly healthy population. It had not been previously curated by ICSL or reported in the Human Gene Mutation Database (HGMD: prior to June 1st, 2018), and was therefore a candidate for classification through an automated scoring system. Utilizing variant allele frequency, disease prevalence and penetrance estimates, and inheritance mode, an automated score was calculated to assess if this variant is too frequent to cause the disease. Based on the score and internal cut-off values, a variant classified as likely benign is not then subjected to further curation. The score for this variant resulted in a classification of likely benign for this disease.